The following is an entry in ClinVar:

ClinVar aggregate classification (germline): Benign. Review status: criteria provided, multiple submitters, no conflicts (2 of 4 stars). 2 submissions from 2 submitters: Benign (2). Last evaluated 2018-06-20.

Allele frequency attached by ClinVar (database versions not stated): gnomAD exomes 0.60530; gnomAD 0.68470 and 0.68711; TOPMed 0.70295; 1000 Genomes Project 0.72744; 1000 Genomes Project 30x 0.73220.
gnomAD v4.1: 898,921 of 1,464,260 alleles (61%); highest among the groups gnomAD compares: African/African-American, 85%; 280,455 homozygotes.

Submissions (2):

GeneDx
Classification: Benign. Last evaluated: 2018-06-20. Review status: criteria provided, single submitter. Criteria: GeneDx Variant Classification (06012015). Collection method: clinical testing. Allele origin: germline. Affected: yes.
Comment: This variant is considered likely benign or benign based on one or more of the following criteria: it is a conservative change, it occurs at a poorly conserved position in the protein, it is predicted to be benign by multiple in silico algorithms, and/or has population frequency not consistent with disease.

Breakthrough Genomics
Classification: Benign. Review status: criteria provided, single submitter. Criteria: ACMG Guidelines, 2015. Collection method: not provided. Allele origin: germline. Inheritance: Autosomal recessive inheritance. Affected: yes.

NM_006231.4(POLE):c.4290+102A>T

Gene: POLE (DNA polymerase epsilon, catalytic subunit; minus strand). Cytogenetic location: 12q24.33.
Variant type: single nucleotide variant.
Coding change: c.4290+102A>T on transcript NM_006231.4 (MANE Select); 102 bases into the intron after coding-DNA position 4290, A replaced by T.
Molecular consequence: intron variant.
Genome position (GRCh38, 1-based): chr12:132,643,735, T>A on the plus strand (A>T on the coding strand, the complement: POLE is on the minus strand). VCF-style: chr12-132643735-T-A. GRCh37 (hg19) VCF-style: chr12-133220321-T-A.
Identifiers: ClinVar variation 676500 (VCV000676500.2), dbSNP rs4883614, ClinGen allele CA13640030.